The following is an entry in ClinVar:

ClinVar aggregate classification (germline): Uncertain significance. Review status: criteria provided, multiple submitters, no conflicts (2 of 4 stars). 2 submissions from 2 submitters: Uncertain significance (2). Last evaluated 2021-08-27.

Conditions:
Peroxisome biogenesis disorder. Identifiers: Orphanet 79189, MedGen C1832200, MONDO:0019234. Disease mechanism: loss of function.

Submissions (2):

Labcorp Genetics (formerly Invitae), Labcorp
Classification: Uncertain significance for Peroxisome biogenesis disorder. Last evaluated: 2021-08-27. Review status: criteria provided, single submitter. Criteria: Invitae Variant Classification Sherloc (09022015). Collection method: clinical testing. Allele origin: germline.
Comment: This sequence change replaces leucine with proline at codon 608 of the PEX6 protein (p.Leu608Pro). The leucine residue is moderately conserved and there is a moderate physicochemical difference between leucine and proline. This variant is not present in population databases (ExAC no frequency). This variant has not been reported in the literature in individuals affected with PEX6-related conditions. ClinVar contains an entry for this variant (Variation ID: 598725). Algorithms developed to predict the effect of missense changes on protein structure and function (SIFT, PolyPhen-2, Align-GVGD) all suggest that this variant is likely to be disruptive. In summary, the available evidence is currently insufficient to determine the role of this variant in disease. Therefore, it has been classified as a Variant of Uncertain Significance.

Eurofins Ntd Llc (ga)
Classification: Uncertain significance. Last evaluated: 2018-09-18. Review status: criteria provided, single submitter. Criteria: EGL ClinVar v180209 classification definitions. Collection method: clinical testing. Allele origin: germline. Observed: 1 variant allele, 1 heterozygote.

NM_000287.4(PEX6):c.1823T>C (p.Leu608Pro)

Gene: PEX6 (peroxisomal biogenesis factor 6; minus strand). Cytogenetic location: 6p21.1.
Variant type: single nucleotide variant.
Coding change: c.1823T>C on transcript NM_000287.4 (MANE Select); coding-DNA position 1823, T replaced by C.
Protein change: p.Leu608Pro; replaces leucine 608 with proline.
Molecular consequence: missense variant. On other transcripts: non-coding transcript variant (1).
Genome position (GRCh38, 1-based): chr6:42,967,429, A>G on the plus strand (T>C on the coding strand, the complement: PEX6 is on the minus strand). VCF-style: chr6-42967429-A-G. GRCh37 (hg19) VCF-style: chr6-42935167-A-G.
Other names: c.1559T>C, p.Leu520Pro (NM_001316313.2); short protein forms L608P, L520P.
Identifiers: ClinVar variation 598725 (VCV000598725.10), dbSNP rs1561821635, ClinGen allele CA364153508.